The following is an entry in ClinVar:

ClinVar aggregate classification (germline): Likely benign (1 of 4 stars; one submission).

gnomAD v4.1: 882 of 1,610,472 alleles (0.055%); highest among the groups gnomAD compares: South Asian, 0.92%; 11 homozygotes.

Submission:

CeGaT Center for Human Genetics Tuebingen
Classification: Likely benign. Last evaluated: 2025-03-01. Review status: criteria provided, single submitter. Criteria: CeGaT Center For Human Genetics Tuebingen Variant Classification Criteria Version 2. Collection method: clinical testing. Allele origin: germline. Affected: yes. Observed: 1 variant allele.
Comment: PYCR3: BP4, BS2

NM_023078.6(PYCR3):c.678C>T (p.His226=)

Gene: PYCR3 (pyrroline-5-carboxylate reductase 3; minus strand). Cytogenetic location: 8q24.3.
Variant type: single nucleotide variant.
Coding change: c.678C>T on transcript NM_023078.6 (MANE Select); coding-DNA position 678, C replaced by T.
Protein change: p.His226=; no amino-acid change (histidine 226 retained).
Molecular consequence: synonymous variant. On other transcripts: non-coding transcript variant (1).
Genome position (GRCh38, 1-based): chr8:143,605,847, G>A on the plus strand (C>T on the coding strand, the complement: PYCR3 is on the minus strand). VCF-style: chr8-143605847-G-A. GRCh37 (hg19) VCF-style: chr8-144688017-G-A.
Other names: c.618C>T, p.His206= (NM_001329866.3).
Identifiers: ClinVar variation 3778017 (VCV003778017.7).